The following is an entry in ClinVar:

NM_003919.3(SGCE):c.24G>C (p.Glu8Asp)

Gene: SGCE (sarcoglycan epsilon; minus strand). Cytogenetic location: 7q21.3.
Variant type: single nucleotide variant.
Coding change: c.24G>C on transcript NM_003919.3 (MANE Select); coding-DNA position 24, G replaced by C.
Protein change: p.Glu8Asp; replaces glutamic acid 8 with aspartic acid.
Molecular consequence: missense variant. On other transcripts: 5 prime UTR variant (4).
Genome position (GRCh38, 1-based): chr7:94,656,075, C>G on the plus strand (G>C on the coding strand, the complement: SGCE is on the minus strand). VCF-style: chr7-94656075-C-G. GRCh37 (hg19) VCF-style: chr7-94285387-C-G.
Other names: c.24G>C, p.Glu8Asp (NM_001099400.2, NM_001099401.2, NM_001301139.2 and 4 more transcripts); c.-234G>C (NM_001346719.2); c.-312G>C (NM_001346720.2, NM_001362808.2); c.-240G>C (NM_001362807.2); short protein forms E8D.
Identifiers: ClinVar variation 967652 (VCV000967652.9), dbSNP rs1808633312, ClinGen allele CA368393719.
Genomic context (GRCh38, chr7:94,656,075, plus strand): 5'-CGCGGGGCTCATCCTGCGTGTCCCCCGACCCTGTCCCGTCCAAGCACAGGGGTCTCCCAG[C>G]TCCCACCACCGGGGCAATTGCATTCTTGGCCTGGCTAGGCCGTCCGTCCTCGATTCTCCC-3'
Protein context (NP_003910.1, residues 1-18): MQLPRWW[Glu8Asp]LGDPCAWTGQ

ClinVar aggregate classification (germline): Uncertain significance (1 of 4 stars; one submission).

Conditions:
Myoclonic dystonia 11 (DYT11). Also called: Dystonia, alcohol responsive; Hereditary essential myoclonus; SGCE Myoclonus-Dystonia; Myoclonus-Dystonia; DYT-SGCE; Myoclonic dystonia. Identifiers: Orphanet 36899, MedGen C1834570, MONDO:0008044, OMIM 159900.

Allele frequency attached by ClinVar (database versions not stated): TOPMed below 0.00001; gnomAD 0.00001.

Submission:

Labcorp Genetics (formerly Invitae), Labcorp
Classification: Uncertain significance for Myoclonic dystonia 11. Last evaluated: 2024-04-18. Review status: criteria provided, single submitter. Criteria: Invitae Variant Classification Sherloc (09022015). Collection method: clinical testing. Allele origin: germline.
Comment: This sequence change replaces glutamic acid, which is acidic and polar, with aspartic acid, which is acidic and polar, at codon 8 of the SGCE protein (p.Glu8Asp). This variant is not present in population databases (gnomAD no frequency). This variant has not been reported in the literature in individuals affected with SGCE-related conditions. ClinVar contains an entry for this variant (Variation ID: 967652). An algorithm developed to predict the effect of missense changes on protein structure and function (PolyPhen-2) suggests that this variant is likely to be disruptive. In summary, the available evidence is currently insufficient to determine the role of this variant in disease. Therefore, it has been classified as a Variant of Uncertain Significance.